The following is an entry in ClinVar:

ClinVar aggregate classification (germline): Pathogenic (1 of 4 stars; one submission).

Conditions:
Waardenburg syndrome. Also called: Waardenburg's syndrome. Identifiers: Orphanet 3440, MedGen C3266898, MONDO:0018094.
Rare genetic deafness. Identifiers: Orphanet 96210, MedGen C5680250.

Submission:

Laboratory for Molecular Medicine, Mass General Brigham Personalized Medicine
Classification: Pathogenic for Rare genetic deafness; Waardenburg syndrome. Last evaluated: 2015-10-07. Review status: criteria provided, single submitter. Criteria: LMM Criteria. Collection method: clinical testing. Allele origin: germline. Inheritance: Autosomal dominant inheritance. Observed: 1 variant allele.
Comment: The deletion of exons 1-4 in PAX3 (NM_001127366.2) has not been previously repor ted in individuals with Waardenburg syndrome or in large population studies. Thi s variant leads to the loss of the first 4 exons the PAX3 gene (which correspond s to the complete loss of the gene in two shorter alternate PAX3 transcripts, NM _013942.4 and NM_00438.5), and is predicted to lead to an absent protein for all transcripts of the PAX3 gene. Haploinsufficiency due to heterozygous loss of fu nction variants in the PAX3 gene is an established disease mechanism in Waardenb urg syndrome types 1 and 3 (WS1 and WS3). In summary, this variant meets our cri teria to be classified as pathogenic for Waardenburg syndrome in an autosomal do minant manner based upon its predicted impact to the protein. It should be noted that exact breakpoints of th e detected deletion could not be determined due to limitations of the testing me thodology.

NC_000002.12:g.(?_222293620)_(222298692_?)del

Genes: CCDC140 (CCDC140 long non-coding RNA; plus strand), PAX3 (paired box 3; minus strand), LOC107980445 (PAX3 promoter region; plus strand). Cytogenetic location: 2q36.1.
Variant type: Deletion.
Identifiers: ClinVar variation 228386 (VCV000228386.5).